The following is an entry in ClinVar:

NM_001376013.1(EPB41):c.263A>G (p.Lys88Arg)

Gene: EPB41 (erythrocyte membrane protein band 4.1; plus strand). Cytogenetic location: 1p35.3.
Variant type: single nucleotide variant.
Coding change: c.263A>G on transcript NM_001376013.1 (MANE Select); coding-DNA position 263, A replaced by G.
Protein change: p.Lys88Arg; replaces lysine 88 with arginine.
Molecular consequence: missense variant. On other transcripts: 5 prime UTR variant (10).
Genome position (GRCh38, 1-based): chr1:28,987,700, A>G. VCF-style: chr1-28987700-A-G. GRCh37 (hg19) VCF-style: chr1-29314212-A-G.
Other names: p.Lys88Arg; c.263A>G (NM_001166005.1); c.263A>G, p.Lys88Arg (NM_001166005.2, NM_001166006.2, NM_001376014.1 and 8 more transcripts); c.-365A>G (NM_001166007.2, NM_001376022.1, NM_001376023.1 and 5 more transcripts); c.-445A>G (NM_004437.4, NM_203342.3); short protein forms K88R.
Identifiers: ClinVar variation 2428563 (VCV002428563.7), dbSNP rs141680585, ClinGen allele CA724194.

ClinVar aggregate classification (germline): Conflicting classifications of pathogenicity. Review status: criteria provided, conflicting classifications (1 of 4 stars). 3 submissions from 3 submitters: Uncertain significance (1); Benign (2). Last evaluated 2025-10-14.

Conditions:
Elliptocytosis 1 (EL1). Also called: ELLIPTOCYTOSIS, RHESUS-LINKED TYPE; PROTEIN 4.1 OF ERYTHROCYTE MEMBRANE, DEFECT OF; 4.1- TRAIT; 4.1-MINUS TRAIT. Identifiers: Orphanet 288, MedGen C2678497, MONDO:0012731, OMIM 611804.

Allele frequency attached by ClinVar (database versions not stated): ExAC 0.00035; 1000 Genomes Project 0.00100; TOPMed 0.00124; gnomAD 0.00116; gnomAD exomes 0.00011; 1000 Genomes Project 30x 0.00109; ESP Exome Variant Server 0.00177.
gnomAD v4.1: 344 of 1,614,204 alleles (0.021%); highest among the groups gnomAD compares: African/African-American, 0.42%; no homozygotes.

Submissions (3):

Mayo Clinic Laboratories, Mayo Clinic
Classification: Benign. Last evaluated: 2025-10-14. Review status: criteria provided, single submitter. Criteria: ACMG Guidelines, 2015. Collection method: clinical testing. Allele origin: germline. Observed: 2 variant alleles.
Comment: BS1, BP4_strong

Labcorp Genetics (formerly Invitae), Labcorp
Classification: Benign. Last evaluated: 2025-06-12. Review status: criteria provided, single submitter. Criteria: Invitae Variant Classification Sherloc (09022015). Collection method: clinical testing. Allele origin: germline.

ARUP Laboratories, Molecular Genetics and Genomics, ARUP Laboratories
Classification: Uncertain significance for Elliptocytosis 1. Last evaluated: 2022-04-06. Review status: criteria provided, single submitter. Criteria: ARUP Molecular Germline Variant Investigation Process 2021. Collection method: clinical testing. Allele origin: germline.